The following is an entry in ClinVar:

ClinVar aggregate classification (germline): Uncertain significance (1 of 4 stars; one submission).

Conditions:
Cortical dysplasia-focal epilepsy syndrome (PTHSL1). Also called: Pitt-Hopkins-like syndrome 1. Identifiers: Orphanet 163681, Orphanet 221150, MedGen C2750246, MONDO:0012400, OMIM 610042.

Allele frequency attached by ClinVar (database versions not stated): gnomAD exomes below 0.00001; ExAC 0.00001.
gnomAD v4.1: 5 of 1,613,672 alleles (0.00031%); highest among the groups gnomAD compares: South Asian, 0.0011%; no homozygotes.

Submission:

Labcorp Genetics (formerly Invitae), Labcorp
Classification: Uncertain significance for Cortical dysplasia-focal epilepsy syndrome. Last evaluated: 2021-02-22. Review status: criteria provided, single submitter. Criteria: Invitae Variant Classification Sherloc (09022015). Collection method: clinical testing. Allele origin: germline.
Comment: This sequence change replaces valine with isoleucine at codon 211 of the CNTNAP2 protein (p.Val211Ile). The valine residue is moderately conserved and there is a small physicochemical difference between valine and isoleucine. This variant is present in population databases (rs749043222, ExAC 0.006%). This variant has not been reported in the literature in individuals with CNTNAP2-related conditions. Algorithms developed to predict the effect of missense changes on protein structure and function are either unavailable or do not agree on the potential impact of this missense change (SIFT: "Deleterious"; PolyPhen-2: "Benign"; Align-GVGD: "Class C0"). In summary, the available evidence is currently insufficient to determine the role of this variant in disease. Therefore, it has been classified as a Variant of Uncertain Significance.

NM_014141.6(CNTNAP2):c.631G>A (p.Val211Ile)

Gene: CNTNAP2 (contactin associated protein 2; plus strand). Cytogenetic location: 7q35.
Variant type: single nucleotide variant.
Coding change: c.631G>A on transcript NM_014141.6 (MANE Select); coding-DNA position 631, G replaced by A.
Protein change: p.Val211Ile; replaces valine 211 with isoleucine.
Molecular consequence: missense variant.
Genome position (GRCh38, 1-based): chr7:147,108,227, G>A. VCF-style: chr7-147108227-G-A. GRCh37 (hg19) VCF-style: chr7-146805319-G-A.
Other names: short protein forms V211I.
Identifiers: ClinVar variation 1398499 (VCV001398499.8), dbSNP rs749043222, ClinGen allele CA4545854.
Genomic context (GRCh38, chr7:147,108,227, plus strand): 5'-GATGGCCATGTTGTATTACCATATAGATTCAGAAACAAGAAGATGAAAACACTGAAAGAT[G>A]TCATTGCCTTGAACTTTAAGACGTCTGAAAGTGAAGGAGTAATCCTGCACGGAGAAGGAC-3'
Protein context (NP_054860.1, residues 201-221): RNKKMKTLKD[Val211Ile]IALNFKTSES